The following is an entry in ClinVar:

ClinVar aggregate classification (germline): Uncertain significance (1 of 4 stars; one submission).

Allele frequency attached by ClinVar (database versions not stated): gnomAD exomes below 0.00001; TOPMed below 0.00001; gnomAD 0.00001.
gnomAD v4.1: 8 of 1,614,030 alleles (0.0005%); highest among the groups gnomAD compares: Middle Eastern, 0.016%; no homozygotes.

Submission:

Labcorp Genetics (formerly Invitae), Labcorp
Classification: Uncertain significance. Last evaluated: 2023-08-17. Review status: criteria provided, single submitter. Criteria: Invitae Variant Classification Sherloc (09022015). Collection method: clinical testing. Allele origin: germline.
Comment: This sequence change replaces glutamic acid, which is acidic and polar, with valine, which is neutral and non-polar, at codon 1712 of the ANK3 protein (p.Glu1712Val). This variant is present in population databases (no rsID available, gnomAD no frequency). This variant has not been reported in the literature in individuals affected with ANK3-related conditions. Advanced modeling of protein sequence and biophysical properties (such as structural, functional, and spatial information, amino acid conservation, physicochemical variation, residue mobility, and thermodynamic stability) performed at Invitae indicates that this missense variant is not expected to disrupt ANK3 protein function. In summary, the available evidence is currently insufficient to determine the role of this variant in disease. Therefore, it has been classified as a Variant of Uncertain Significance.

NM_020987.5(ANK3):c.5135A>T (p.Glu1712Val)

Gene: ANK3 (ankyrin 3; minus strand). Cytogenetic location: 10q21.2.
Variant type: single nucleotide variant.
Coding change: c.5135A>T on transcript NM_020987.5 (MANE Select); coding-DNA position 5135, A replaced by T.
Protein change: p.Glu1712Val; replaces glutamic acid 1712 with valine.
Molecular consequence: missense variant. On other transcripts: intron variant (4).
Genome position (GRCh38, 1-based): chr10:60,075,746, T>A on the plus strand (A>T on the coding strand, the complement: ANK3 is on the minus strand). VCF-style: chr10-60075746-T-A. GRCh37 (hg19) VCF-style: chr10-61835504-T-A.
Other names: c.4387+4791A>T (NM_001204403.2); c.4408+4791A>T (NM_001204404.2); c.4405+4791A>T (NM_001320874.2); c.1807+4791A>T (NM_001149.4); short protein forms E1712V.
Identifiers: ClinVar variation 2962432 (VCV002962432.3), dbSNP rs1236051195, ClinGen allele CA377016161.
Genomic context (GRCh38, chr10:60,075,746, plus strand): 5'-ATTAAAGTTGAGGATGATGGATATTTTAGAGGGGAAATAGATCCATTGACTAATGCTACC[T>A]CTGCATGTCCAGGCATCTGCTTCACAGGTGATGAGAGAGAAGATGCCATTGTAATTTTGG-3'
Protein context (NP_066267.2, residues 1702-1722): SPVKQMPGHA[Glu1712Val]VALVNGSISP